The following is an entry in ClinVar:

NM_021072.4(HCN1):c.1214G>A (p.Arg405Gln)

Gene: HCN1 (hyperpolarization activated cyclic nucleotide gated potassium channel 1; minus strand). Cytogenetic location: 5p12.
Variant type: single nucleotide variant.
Coding change: c.1214G>A on transcript NM_021072.4 (MANE Select); coding-DNA position 1214, G replaced by A.
Protein change: p.Arg405Gln; replaces arginine 405 with glutamine.
Molecular consequence: missense variant.
Genome position (GRCh38, 1-based): chr5:45,396,508, C>T on the plus strand (G>A on the coding strand, the complement: HCN1 is on the minus strand). VCF-style: chr5-45396508-C-T. GRCh37 (hg19) VCF-style: chr5-45396610-C-T.
Other names: short protein forms R405Q.
Identifiers: ClinVar variation 1342976 (VCV001342976.14), dbSNP rs1351333514, ClinGen allele CA359705174.

ClinVar aggregate classification (germline): Uncertain significance. Review status: criteria provided, multiple submitters, no conflicts (2 of 4 stars). 5 submissions from 5 submitters: Uncertain significance (4). 1 of the submissions does not count toward it. Last evaluated 2025-10-20.

Conditions:
Inborn genetic diseases. Identifiers: MedGen C0950123, MeSH D030342.
Early-infantile DEE. Also called: Early infantile epileptic encephalopathy; Early infantile epileptic encephalopathy with suppression bursts; Ohtahara syndrome. Identifiers: Orphanet 1934, MedGen C0393706, MONDO:0800491.
Generalized epilepsy with febrile seizures plus, type 10. Also called: GEFS+, TYPE 10. Identifiers: MedGen C5193120, MONDO:0032777, OMIM 618482.

Allele frequency attached by ClinVar (database versions not stated): gnomAD exomes below 0.00001 and 0.00001; TOPMed below 0.00001.

Submissions (5):

Labcorp Genetics (formerly Invitae), Labcorp
Classification: Uncertain significance for Early-infantile DEE. Last evaluated: 2025-10-20. Review status: criteria provided, single submitter. Criteria: Invitae Variant Classification Sherloc (09022015). Collection method: clinical testing. Allele origin: germline.
Comment: This sequence change replaces arginine, which is basic and polar, with glutamine, which is neutral and polar, at codon 405 of the HCN1 protein (p.Arg405Gln). This variant is present in population databases (no rsID available, gnomAD 0.003%). This variant has not been reported in the literature in individuals affected with HCN1-related conditions. ClinVar contains an entry for this variant (Variation ID: 1342976). Invitae Evidence Modeling of protein sequence and biophysical properties (such as structural, functional, and spatial information, amino acid conservation, physicochemical variation, residue mobility, and thermodynamic stability) has been performed for this missense variant. However, the output from this modeling did not meet the statistical confidence thresholds required to predict the impact of this variant on HCN1 protein function. In summary, the available evidence is currently insufficient to determine the role of this variant in disease. Therefore, it has been classified as a Variant of Uncertain Significance.

Revvity Omics, Revvity
Classification: Uncertain significance. Last evaluated: 2023-03-09. Review status: criteria provided, single submitter. Criteria: ACMG Guidelines, 2015. Collection method: clinical testing. Allele origin: germline.

GeneDx
Classification: Uncertain significance. Last evaluated: 2022-01-28. Review status: criteria provided, single submitter. Criteria: GeneDx Variant Classification Process June 2021. Collection method: clinical testing. Allele origin: germline. Affected: yes.
Comment: In silico analysis supports that this missense variant has a deleterious effect on protein structure/function; Has not been previously published as pathogenic or benign to our knowledge; Not observed at significant frequency in large population cohorts (gnomAD); This variant is associated with the following publications: (PMID: 28086084)

Ambry Genetics
Classification: Uncertain significance for Inborn genetic diseases. Last evaluated: 2017-12-20. Review status: criteria provided, single submitter. Criteria: Ambry Variant Classification Scheme 2023. Collection method: clinical testing. Allele origin: germline.
Comment: The p.R405Q variant (also known as c.1214G>A), located in coding exon 4 of the HCN1 gene, results from a G to A substitution at nucleotide position 1214. The arginine at codon 405 is replaced by glutamine, an amino acid with highly similar properties. This amino acid position is highly conserved in available vertebrate species. In addition, this alteration is predicted to be deleterious by in silico analysis. Since supporting evidence is limited at this time, the clinical significance of this alteration remains unclear.

Department of Neurology, Hunan Children's Hospital
Classification: Uncertain significance for Generalized epilepsy with febrile seizures plus, type 10. Last evaluated: 2021-12-01. Review status: no assertion criteria provided. Collection method: clinical testing. Allele origin: de novo. Affected: yes. Not counted in ClinVar's aggregate classification.